The following is an entry in ClinVar:

ClinVar aggregate classification (germline): Uncertain significance. Review status: criteria provided, single submitter (1 of 4 stars). 2 submissions from 2 submitters: Uncertain significance (1). 1 of the submissions does not count toward it. Last evaluated 2022-10-30.

Conditions:
Werner syndrome (WRN). Identifiers: Orphanet 902, MedGen C0043119, MONDO:0010196, OMIM 277700.

Allele frequency attached by ClinVar (database versions not stated): gnomAD exomes below 0.00001; ExAC 0.00001.
gnomAD v4.1: 39 of 1,612,584 alleles (0.0024%); highest among the groups gnomAD compares: Non-Finnish European, 0.0031%; no homozygotes.

Submissions (2):

Labcorp Genetics (formerly Invitae), Labcorp
Classification: Uncertain significance for Werner syndrome. Last evaluated: 2022-10-30. Review status: criteria provided, single submitter. Criteria: Invitae Variant Classification Sherloc (09022015). Collection method: clinical testing. Allele origin: germline.
Comment: This sequence change replaces valine, which is neutral and non-polar, with isoleucine, which is neutral and non-polar, at codon 588 of the WRN protein (p.Val588Ile). This variant is present in population databases (rs587778747, gnomAD 0.003%). This variant has not been reported in the literature in individuals affected with WRN-related conditions. ClinVar contains an entry for this variant (Variation ID: 135418). Algorithms developed to predict the effect of missense changes on protein structure and function are either unavailable or do not agree on the potential impact of this missense change (SIFT: "Not Available"; PolyPhen-2: "Benign"; Align-GVGD: "Not Available"). In summary, the available evidence is currently insufficient to determine the role of this variant in disease. Therefore, it has been classified as a Variant of Uncertain Significance.

ITMI
No classification provided. Condition: AllHighlyPenetrant. Last evaluated: 2013-09-19. Review status: no classification provided. Collection method: reference population. Allele origin: germline. Not counted in ClinVar's aggregate classification.
Comment: Please see associated publication for description of ethnicities

Literature cited by the submitters: PubMed 24728327 (cited by ITMI).

NM_000553.6(WRN):c.1762G>A (p.Val588Ile)

Gene: WRN (WRN RecQ like helicase; plus strand). Cytogenetic location: 8p12.
Variant type: single nucleotide variant.
Coding change: c.1762G>A on transcript NM_000553.6 (MANE Select); coding-DNA position 1762, G replaced by A.
Protein change: p.Val588Ile; replaces valine 588 with isoleucine.
Molecular consequence: missense variant.
Genome position (GRCh38, 1-based): chr8:31,090,875, G>A. VCF-style: chr8-31090875-G-A. GRCh37 (hg19) VCF-style: chr8-30948391-G-A.
Other names: short protein forms V588I.
Identifiers: ClinVar variation 135418 (VCV000135418.3), dbSNP rs587778747, ClinGen allele CA162701.